The following is an entry in ClinVar:

ClinVar aggregate classification (germline): Uncertain significance. Review status: criteria provided, multiple submitters, no conflicts (2 of 4 stars). 2 submissions from 2 submitters: Uncertain significance (2). Last evaluated 2023-09-13.

Conditions:
Autosomal recessive polycystic kidney disease (ARPKD). Also called: AR polycystic kidney disease. Identifiers: Orphanet 731, Orphanet 8378, MedGen C0085548, MeSH D017044, MONDO:0009889.

Allele frequency attached by ClinVar (database versions not stated): gnomAD 0.00001; gnomAD exomes 0.00002; ExAC 0.00003; 1000 Genomes Project 30x 0.00016; 1000 Genomes Project 0.00020.
gnomAD v4.1: 33 of 1,614,096 alleles (0.002%); highest among the groups gnomAD compares: South Asian, 0.035%; no homozygotes.

Submissions (2):

Blueprint Genetics
Classification: Uncertain significance. Last evaluated: 2023-09-13. Review status: criteria provided, single submitter. Criteria: ACMG Guidelines, 2015. Collection method: clinical testing. Allele origin: germline.

Labcorp Genetics (formerly Invitae), Labcorp
Classification: Uncertain significance for Autosomal recessive polycystic kidney disease. Last evaluated: 2021-11-11. Review status: criteria provided, single submitter. Criteria: Invitae Variant Classification Sherloc (09022015). Collection method: clinical testing. Allele origin: germline.
Comment: This sequence change replaces glycine, which is neutral and non-polar, with arginine, which is basic and polar, at codon 1497 of the PKHD1 protein (p.Gly1497Arg). This variant is present in population databases (rs565071416, gnomAD 0.04%). This variant has not been reported in the literature in individuals affected with PKHD1-related conditions. Advanced modeling of protein sequence and biophysical properties (such as structural, functional, and spatial information, amino acid conservation, physicochemical variation, residue mobility, and thermodynamic stability) performed at Invitae indicates that this missense variant is expected to disrupt PKHD1 protein function. In summary, the available evidence is currently insufficient to determine the role of this variant in disease. Therefore, it has been classified as a Variant of Uncertain Significance.

NM_138694.4(PKHD1):c.4489G>A (p.Gly1497Arg)

Gene: PKHD1 (PKHD1 ciliary IPT domain containing fibrocystin/polyductin; minus strand). Cytogenetic location: 6p12.2.
Variant type: single nucleotide variant.
Coding change: c.4489G>A on transcript NM_138694.4 (MANE Select); coding-DNA position 4489, G replaced by A.
Protein change: p.Gly1497Arg; replaces glycine 1497 with arginine.
Molecular consequence: missense variant.
Genome position (GRCh38, 1-based): chr6:52,025,321, C>T on the plus strand (G>A on the coding strand, the complement: PKHD1 is on the minus strand). VCF-style: chr6-52025321-C-T. GRCh37 (hg19) VCF-style: chr6-51890119-C-T.
Other names: c.4489G>A, p.Gly1497Arg (NM_170724.3); short protein forms G1497R.
Identifiers: ClinVar variation 2153900 (VCV002153900.2), dbSNP rs565071416, ClinGen allele CA3852712.